The following is an entry in ClinVar:

ClinVar aggregate classification (germline): Uncertain significance (1 of 4 stars; one submission).

Submission:

GeneDx
Classification: Uncertain significance. Last evaluated: 2024-05-28. Review status: criteria provided, single submitter. Criteria: GeneDx Variant Classification Process June 2021. Collection method: clinical testing. Allele origin: germline. Affected: yes.
Comment: Not observed at significant frequency in large population cohorts (gnomAD); In silico analysis supports that this missense variant has a deleterious effect on protein structure/function; Has not been previously published as pathogenic or benign to our knowledge.

NM_001042492.3(NF1):c.5173A>G (p.Lys1725Glu)

Gene: NF1 (neurofibromin 1; plus strand). Cytogenetic location: 17q11.2.
Variant type: single nucleotide variant.
Coding change: c.5173A>G on transcript NM_001042492.3 (MANE Select); coding-DNA position 5173, A replaced by G.
Protein change: p.Lys1725Glu; replaces lysine 1725 with glutamic acid.
Molecular consequence: missense variant.
Genome position (GRCh38, 1-based): chr17:31,326,157, A>G. VCF-style: chr17-31326157-A-G. GRCh37 (hg19) VCF-style: chr17-29653175-A-G.
Other names: c.5110A>G, p.Lys1704Glu (NM_000267.4); short protein forms K1704E, K1725E.
Identifiers: ClinVar variation 3383580 (VCV003383580.1).